The following is an entry in ClinVar:

ClinVar aggregate classification (germline): Uncertain significance (1 of 4 stars; one submission).

Allele frequency attached by ClinVar (database versions not stated): gnomAD exomes below 0.00001; gnomAD 0.00001; TOPMed 0.00003.
gnomAD v4.1: 3 of 1,195,382 alleles (0.00025%); highest among the groups gnomAD compares: African/African-American, 0.0017%; no homozygotes.

Submission:

Labcorp Genetics (formerly Invitae), Labcorp
Classification: Uncertain significance. Last evaluated: 2022-04-04. Review status: criteria provided, single submitter. Criteria: Invitae Variant Classification Sherloc (09022015). Collection method: clinical testing. Allele origin: germline.
Comment: This sequence change replaces methionine, which is neutral and non-polar, with valine, which is neutral and non-polar, at codon 2825 of the CPLANE1 protein (p.Met2825Val). In summary, the available evidence is currently insufficient to determine the role of this variant in disease. Therefore, it has been classified as a Variant of Uncertain Significance. Algorithms developed to predict the effect of missense changes on protein structure and function output the following: SIFT: "Tolerated"; PolyPhen-2: "Benign"; Align-GVGD: "Class C0". The valine amino acid residue is found in multiple mammalian species, which suggests that this missense change does not adversely affect protein function. This variant has not been reported in the literature in individuals affected with CPLANE1-related conditions. This variant is present in population databases (no rsID available, gnomAD no frequency).

NM_001384732.1(CPLANE1):c.8635A>G (p.Met2879Val)

Gene: CPLANE1 (ciliogenesis and planar polarity effector complex subunit 1; minus strand). Cytogenetic location: 5p13.2.
Variant type: single nucleotide variant.
Coding change: c.8635A>G on transcript NM_001384732.1 (MANE Select); coding-DNA position 8635, A replaced by G.
Protein change: p.Met2879Val; replaces methionine 2879 with valine.
Molecular consequence: missense variant.
Genome position (GRCh38, 1-based): chr5:37,139,368, T>C on the plus strand (A>G on the coding strand, the complement: CPLANE1 is on the minus strand). VCF-style: chr5-37139368-T-C. GRCh37 (hg19) VCF-style: chr5-37139470-T-C.
Other names: c.8473A>G, p.Met2825Val (NM_023073.4); short protein forms M2879V, M2825V.
Identifiers: ClinVar variation 1972085 (VCV001972085.5), dbSNP rs991518920, ClinGen allele CA117067206.